The following is an entry in ClinVar:

NM_001199267.2(DGKZ):c.162-335G>A

Gene: DGKZ (diacylglycerol kinase zeta; plus strand). Cytogenetic location: 11p11.2.
Variant type: single nucleotide variant.
Coding change: c.162-335G>A on transcript NM_001199267.2 (MANE Select); 335 bases into the intron before coding-DNA position 162, G replaced by A.
Molecular consequence: intron variant. On other transcripts: missense variant (1).
Genome position (GRCh38, 1-based): chr11:46,366,956, G>A. VCF-style: chr11-46366956-G-A. GRCh37 (hg19) VCF-style: chr11-46388506-G-A.
Other names: c.700G>A (NM_001105540.1); c.700G>A, p.Gly234Arg (NM_001105540.2); c.213-335G>A (NM_201532.3); c.177-335G>A (NM_201533.3); c.162-335G>A (NM_001199266.2, NM_003646.4, NM_001199268.2); short protein forms G234R.
Identifiers: ClinVar variation 2956107 (VCV002956107.4), dbSNP rs749020691, ClinGen allele CA5962209.

ClinVar aggregate classification (germline): Uncertain significance. Review status: criteria provided, multiple submitters, no conflicts (2 of 4 stars). 2 submissions from 2 submitters: Uncertain significance (2). Last evaluated 2025-11-25.

Allele frequency attached by ClinVar (database versions not stated): TOPMed 0.00001; gnomAD 0.00002.
gnomAD v4.1: 12 of 1,536,654 alleles (0.00078%); highest among the groups gnomAD compares: East Asian, 0.0097%; no homozygotes.

Submissions (2):

Ambry Genetics
Classification: Uncertain significance. Last evaluated: 2025-11-25. Review status: criteria provided, single submitter. Criteria: Ambry Variant Classification Scheme 2023. Collection method: clinical testing. Allele origin: germline.

Labcorp Genetics (formerly Invitae), Labcorp
Classification: Uncertain significance. Last evaluated: 2023-01-15. Review status: criteria provided, single submitter. Criteria: Invitae Variant Classification Sherloc (09022015). Collection method: clinical testing. Allele origin: germline.
Comment: Algorithms developed to predict the effect of missense changes on protein structure and function are either unavailable or do not agree on the potential impact of this missense change (SIFT: "Deleterious"; PolyPhen-2: "Benign"; Align-GVGD: "Class C0"). In summary, the available evidence is currently insufficient to determine the role of this variant in disease. Therefore, it has been classified as a Variant of Uncertain Significance. The frequency data for this variant in the population databases is considered unreliable, as metrics indicate poor data quality at this position in the gnomAD database. This variant has not been reported in the literature in individuals affected with DGKZ-related conditions. This sequence change replaces glycine, which is neutral and non-polar, with arginine, which is basic and polar, at codon 234 of the DGKZ protein (p.Gly234Arg).